The following is an entry in ClinVar:

ClinVar aggregate classification (germline): Pathogenic (1 of 4 stars; one submission).

Conditions:
Kabuki syndrome. Also called: NIIKAWA-KUROKI SYNDROME; Kabuki make-up syndrome. Identifiers: Orphanet 2322, MedGen C0796004, MONDO:0016512.

Submission:

Labcorp Genetics (formerly Invitae), Labcorp
Classification: Pathogenic for Kabuki syndrome. Last evaluated: 2020-11-03. Review status: criteria provided, single submitter. Criteria: Invitae Variant Classification Sherloc (09022015). Collection method: clinical testing. Allele origin: germline.
Comment: For these reasons, this variant has been classified as Pathogenic. This variant has not been reported in the literature in individuals with KMT2D-related conditions. This variant is not present in population databases (ExAC no frequency). This sequence change creates a premature translational stop signal (p.Tyr4758Leufs*24) in the KMT2D gene. It is expected to result in an absent or disrupted protein product. Loss-of-function variants in KMT2D are known to be pathogenic (PMID: 22126750).

Literature cited by the submitters: PubMed 22126750.

NM_003482.4(KMT2D):c.14272dup (p.Tyr4758fs)

Gene: KMT2D (lysine methyltransferase 2D; minus strand). Cytogenetic location: 12q13.12.
Variant type: Duplication.
Coding change: c.14272dup on transcript NM_003482.4 (MANE Select); coding-DNA position 14272, one base duplicated (T; older notation c.14272dupT).
Protein change: p.Tyr4758fs; shifts the reading frame from tyrosine 4758.
Molecular consequence: frameshift variant.
Genome position (GRCh38, 1-based): chr12:49,028,938, A duplicated on the plus strand (T on the coding strand, the reverse complement: KMT2D is on the minus strand); the first of 2 consecutive A bases (chr12:49,028,938-49,028,939); duplicating either gives the same sequence. VCF-style (leftmost placement, unchanged base first): chr12-49028937-T-TA. GRCh37 (hg19) VCF-style: chr12-49422720-T-TA.
Other names: short protein forms Y4758fs.
Identifiers: ClinVar variation 1404995 (VCV001404995.6), dbSNP rs2120388148, ClinGen allele CA2573148677.
Genomic context (GRCh38, chr12:49,028,937, plus strand): 5'-TTGCCCTTTTCCCAAGTTGTGACAGGCAGCTTTCCAGGGACCTCCAGGCCAAGGGCCCCA[T>TA]AAGGTTTGGTATCTGGGAAGACTGAATGAGAAAGAGGAATTTGTGTAACACTTGGCCGCC-3'